The following is an entry in ClinVar:

ClinVar aggregate classification (germline): Likely pathogenic (1 of 4 stars; one submission).

Submission:

GeneDx
Classification: Likely pathogenic. Last evaluated: 2026-04-15. Review status: criteria provided, single submitter. Criteria: GeneDx Variant Classification Process June 2021. Collection method: clinical testing. Allele origin: germline.
Comment: Not observed at significant frequency in large population cohorts (gnomAD); In silico analysis supports that this missense variant has a deleterious effect on protein structure/function; Has not been previously published as pathogenic or benign to our knowledge; This variant is associated with the following publications: (PMID: 41664155, 27130160)

NM_031407.7(HUWE1):c.12928G>T (p.Gly4310Cys)

Gene: HUWE1 (HECT, UBA and WWE domain containing E3 ubiquitin protein ligase 1; minus strand). Cytogenetic location: Xp11.22.
Variant type: single nucleotide variant.
Coding change: c.12928G>T on transcript NM_031407.7 (MANE Select); coding-DNA position 12928, G replaced by T.
Protein change: p.Gly4310Cys; replaces glycine 4310 with cysteine.
Molecular consequence: missense variant.
Genome position (GRCh38, 1-based): chrX:53,534,101, C>A on the plus strand (G>T on the coding strand, the complement: HUWE1 is on the minus strand). VCF-style: chrX-53534101-C-A. GRCh37 (hg19) VCF-style: chrX-53561062-C-A.
Other names: c.12880G>T, p.Gly4294Cys (NM_001441048.1, NM_001441053.1, NM_001441058.1); c.12883G>T, p.Gly4295Cys (NM_001441049.1, NM_001441054.1); c.12904G>T, p.Gly4302Cys (NM_001441050.1, NM_001441055.1); c.12925G>T, p.Gly4309Cys (NM_001441051.1, NM_001441056.1); c.12526G>T, p.Gly4176Cys (NM_001441052.1); c.12928G>T, p.Gly4310Cys (NM_001441057.1); short protein forms G4176C, G4294C, G4295C, G4302C, G4309C, G4310C.
Identifiers: ClinVar variation 5037692 (VCV005037692.1).